The following is an entry in ClinVar:

ClinVar aggregate classification (germline): Uncertain significance (1 of 4 stars; one submission).

Conditions:
Cone-rod dystrophy 13 (CORD13). Identifiers: Orphanet 1872, MedGen C2750720, MONDO:0011987, OMIM 608194.
Leber congenital amaurosis 6 (LCA6). Identifiers: Orphanet 65, MedGen C1854260, MONDO:0013446, OMIM 613826.

Allele frequency attached by ClinVar (database versions not stated): gnomAD exomes below 0.00001 and 0.00002; TOPMed below 0.00001; ExAC 0.00001.
gnomAD v4.1: 25 of 1,611,822 alleles (0.0016%); highest among the groups gnomAD compares: Non-Finnish European, 0.0021%; no homozygotes.

Submission:

Labcorp Genetics (formerly Invitae), Labcorp
Classification: Uncertain significance for Leber congenital amaurosis 6; Cone-rod dystrophy 13. Last evaluated: 2022-07-26. Review status: criteria provided, single submitter. Criteria: Invitae Variant Classification Sherloc (09022015). Collection method: clinical testing. Allele origin: germline.
Comment: In summary, the available evidence is currently insufficient to determine the role of this variant in disease. Therefore, it has been classified as a Variant of Uncertain Significance. Algorithms developed to predict the effect of sequence changes on RNA splicing suggest that this variant may create or strengthen a splice site. Algorithms developed to predict the effect of missense changes on protein structure and function are either unavailable or do not agree on the potential impact of this missense change (SIFT: "Deleterious"; PolyPhen-2: "Probably Damaging"; Align-GVGD: "Class C0"). ClinVar contains an entry for this variant (Variation ID: 956268). This variant has not been reported in the literature in individuals affected with RPGRIP1-related conditions. This variant is present in population databases (rs776485302, gnomAD 0.0009%). This sequence change replaces leucine, which is neutral and non-polar, with valine, which is neutral and non-polar, at codon 329 of the RPGRIP1 protein (p.Leu329Val).

NM_020366.4(RPGRIP1):c.985C>G (p.Leu329Val)

Gene: RPGRIP1 (RPGR interacting protein 1; plus strand). Cytogenetic location: 14q11.2.
Variant type: single nucleotide variant.
Coding change: c.985C>G on transcript NM_020366.4 (MANE Select); coding-DNA position 985, C replaced by G.
Protein change: p.Leu329Val; replaces leucine 329 with valine.
Molecular consequence: missense variant.
Genome position (GRCh38, 1-based): chr14:21,311,878, C>G. VCF-style: chr14-21311878-C-G. GRCh37 (hg19) VCF-style: chr14-21780037-C-G.
Other names: short protein forms L329V.
Identifiers: ClinVar variation 956268 (VCV000956268.9), dbSNP rs776485302, ClinGen allele CA7088843.